The following is an entry in ClinVar:

ClinVar aggregate classification (germline): Conflicting classifications of pathogenicity. Review status: criteria provided, conflicting classifications (1 of 4 stars). 5 submissions from 5 submitters: Uncertain significance (1); Benign (1); Likely benign (3). Last evaluated 2026-01-30.

Conditions:
Hereditary cancer-predisposing syndrome. Also called: Hereditary Cancer Syndrome; Hereditary neoplastic syndrome; Neoplastic Syndromes, Hereditary; Tumor predisposition. Identifiers: Orphanet 140162, MedGen C0027672, MeSH D009386, MONDO:0015356.
Familial adenomatous polyposis 1 (FAP1). Also called: FAMILIAL ADENOMATOUS POLYPOSIS 1, ATTENUATED; POLYPOSIS, ADENOMATOUS INTESTINAL. Identifiers: MedGen C2713442, MONDO:0021056, OMIM 175100. Disease mechanism: loss of function.

Allele frequency attached by ClinVar (database versions not stated): gnomAD exomes below 0.00001; TOPMed below 0.00001.
gnomAD v4.1: 2 of 1,614,026 alleles (0.00012%); highest among the groups gnomAD compares: Non-Finnish European, 0.00017%; no homozygotes.

Submissions (5):

Labcorp Genetics (formerly Invitae), Labcorp
Classification: Likely benign for Familial adenomatous polyposis 1. Last evaluated: 2026-01-30. Review status: criteria provided, single submitter. Criteria: Invitae Variant Classification Sherloc (09022015). Collection method: clinical testing. Allele origin: germline.

Myriad Genetics, Inc.
Classification: Benign for Familial adenomatous polyposis 1. Last evaluated: 2024-04-09. Review status: criteria provided, single submitter. Criteria: Myriad Autosomal Dominant, Autosomal Recessive and X-Linked Classification Criteria (2023). Collection method: clinical testing. Allele origin: unknown.
Comment: This variant is considered benign. This variant is a silent/synonymous amino acid change and it is not expected to impact splicing.

Color Diagnostics, LLC DBA Color Health
Classification: Likely benign for Hereditary cancer-predisposing syndrome. Last evaluated: 2023-08-30. Review status: criteria provided, single submitter. Criteria: ACMG Guidelines, 2015. Collection method: clinical testing. Allele origin: germline.

GeneDx
Classification: Uncertain significance. Last evaluated: 2022-01-12. Review status: criteria provided, single submitter. Criteria: GeneDx Variant Classification Process June 2021. Collection method: clinical testing. Allele origin: germline. Affected: yes.
Comment: Not observed at significant frequency in large population cohorts (gnomAD); In silico analysis supports that this variant does not alter splicing; Has not been previously published as pathogenic or benign to our knowledge

Ambry Genetics
Classification: Likely benign for Hereditary cancer-predisposing syndrome. Last evaluated: 2021-05-15. Review status: criteria provided, single submitter. Criteria: Ambry Variant Classification Scheme 2023. Collection method: clinical testing. Allele origin: germline.

NM_000038.6(APC):c.7357A>C (p.Arg2453=)

Gene: APC (APC regulator of Wnt signaling pathway; plus strand). Cytogenetic location: 5q22.2.
Variant type: single nucleotide variant.
Coding change: c.7357A>C on transcript NM_000038.6 (MANE Select); coding-DNA position 7357, A replaced by C.
Protein change: p.Arg2453=; no amino-acid change (arginine 2453 retained).
Molecular consequence: synonymous variant.
Genome position (GRCh38, 1-based): chr5:112,842,951, A>C. VCF-style: chr5-112842951-A-C. GRCh37 (hg19) VCF-style: chr5-112178648-A-C.
Other names: c.7357A>C, p.Arg2453= (NM_001127510.3, NM_001354895.2); c.7303A>C, p.Arg2435= (NM_001127511.3); c.7411A>C, p.Arg2471= (NM_001354896.2); c.7387A>C, p.Arg2463= (NM_001354897.2); c.7282A>C, p.Arg2428= (NM_001354898.2); c.7273A>C, p.Arg2425= (NM_001354899.2); c.7234A>C, p.Arg2412= (NM_001354900.2); c.7180A>C, p.Arg2394= (NM_001354901.2); and 5 more.
Identifiers: ClinVar variation 754878 (VCV000754878.18), dbSNP rs1580681532, ClinGen allele CA446210484.